The following is an entry in ClinVar:

NM_004991.4(MECOM):c.1784C>T (p.Thr595Ile)

Gene: MECOM (MDS1 and EVI1 complex locus; minus strand). Cytogenetic location: 3q26.2.
Variant type: single nucleotide variant.
Coding change: c.1784C>T on transcript NM_004991.4 (MANE Select); coding-DNA position 1784, C replaced by T.
Protein change: p.Thr595Ile; replaces threonine 595 with isoleucine.
Molecular consequence: missense variant. On other transcripts: intron variant (2).
Genome position (GRCh38, 1-based): chr3:169,116,088, G>A on the plus strand (C>T on the coding strand, the complement: MECOM is on the minus strand). VCF-style: chr3-169116088-G-A. GRCh37 (hg19) VCF-style: chr3-168833876-G-A.
Other names: c.1415C>T, p.Thr472Ile (NM_001105077.4); c.1220C>T, p.Thr407Ile (NM_001105078.4, NM_001164000.2, NM_001205194.2 and 4 more transcripts); c.1223C>T, p.Thr408Ile (NM_001163999.2, NM_001366467.2, NM_001366468.2 and 1 more transcripts); c.1784C>T, p.Thr595Ile (NM_001366466.2); c.1133-321C>T (NM_001366473.2); c.569-321C>T (NM_001366474.2); short protein forms T407I, T472I, T408I, T595I.
Identifiers: ClinVar variation 4624750 (VCV004624750.1).

ClinVar aggregate classification (germline): Uncertain significance (1 of 4 stars; one submission).

Conditions:
Inborn genetic diseases. Identifiers: MedGen C0950123, MeSH D030342.

Submission:

Ambry Genetics
Classification: Uncertain significance for Inborn genetic diseases. Last evaluated: 2025-12-13. Review status: criteria provided, single submitter. Criteria: Ambry Variant Classification Scheme 2023. Collection method: clinical testing. Allele origin: germline.
Comment: The p.T595I variant (also known as c.1784C>T), located in coding exon 8 of the MECOM gene, results from a C to T substitution at nucleotide position 1784. The threonine at codon 595 is replaced by isoleucine, an amino acid with similar properties. This amino acid position is conserved. In addition, this alteration is predicted to be tolerated by in silico analysis. Based on the available evidence, the clinical significance of this variant remains unclear.